The following is an entry in ClinVar:

NM_001754.5(RUNX1):c.629T>C (p.Leu210Pro)

Gene: RUNX1 (RUNX family transcription factor 1; minus strand). Cytogenetic location: 21q22.12.
Variant type: single nucleotide variant.
Coding change: c.629T>C on transcript NM_001754.5 (MANE Select); coding-DNA position 629, T replaced by C.
Protein change: p.Leu210Pro; replaces leucine 210 with proline.
Molecular consequence: missense variant.
Genome position (GRCh38, 1-based): chr21:34,834,586, A>G on the plus strand (T>C on the coding strand, the complement: RUNX1 is on the minus strand). VCF-style: chr21-34834586-A-G. GRCh37 (hg19) VCF-style: chr21-36206883-A-G.
Other names: NM_001754.5(RUNX1):c.629T>C; p.Leu210Pro; c.548T>C, p.Leu183Pro (NM_001001890.3, NM_001122607.2); short protein forms L183P, L210P.
Identifiers: ClinVar variation 1488888 (VCV001488888.7), dbSNP rs2057115551, ClinGen allele CA410207157.
Genomic context (GRCh38, chr21:34,834,586, plus strand): 5'-TGCTCCAGTTCACTGAGCCGCTCGGAAAAGGACAAGCTCCCGGGCTTGGTCTGATCATCT[A>G]GTTTCTGCCGATGTCCTATTGTGGGGAGCAGGGAGGGGAGGGGATGGGGGGAGGGAAGGA-3'
Protein context (NP_001745.2, residues 200-220): PREPRRHRQK[Leu210Pro]DDQTKPGSLS

ClinVar aggregate classification (germline): Uncertain significance. Review status: reviewed by expert panel (3 of 4 stars). 2 submissions from 2 submitters: Uncertain significance (1). 1 of the submissions does not count toward it. Last evaluated 2024-09-30.

Conditions:
Hereditary thrombocytopenia and hematologic cancer predisposition syndrome. Identifiers: Orphanet 71290, MedGen CN281654, MONDO:0011071.
Hereditary thrombocytopenia and hematological cancer predisposition syndrome associated with RUNX1. Also called: RUNX1 Familial Platelet Disorder with Associated Myeloid Malignancies; Familial Platelet Disorder with Propensity to Acute Myelogenous Leukemia; Familial thrombocytopenia with propensity to acute myelogenous leukemia; PLATELET DISORDER, ASPIRIN-LIKE. Identifiers: Orphanet 71290, MedGen C1832388, MeSH C563324, MONDO:0100083, OMIM 601399.

Allele frequency attached by ClinVar (database versions not stated): gnomAD exomes below 0.00001; gnomAD 0.00001.
gnomAD v4.1: 2 of 1,368,634 alleles (0.00015%); highest among the groups gnomAD compares: Non-Finnish European, 0.00019%; no homozygotes.

Submissions (2):

ClinGen Myeloid Malignancy Variant Curation Expert Panel
Classification: Uncertain significance for Hereditary thrombocytopenia and hematologic cancer predisposition syndrome. Last evaluated: 2024-09-30. Review status: reviewed by expert panel. Criteria: ClinGen MyeloMalig ACMG Specifications v2. Collection method: curation. Allele origin: germline. Inheritance: Autosomal dominant inheritance.
Comment: NM_001754.5(RUNX1):c.629T>C (p.Leu210Pro) is a missense variant which is completely absent from all population databases with at least 20x coverage for RUNX1 (PM2_supporting). Clinical and functional information for this variant has not been reported in the literature. In summary, the clinical significance of this variant is uncertain. ACMG/AMP criteria applied, as specified by the Myeloid Malignancy Variant Curation Expert Panel for RUNX1: PM2_supporting.

Labcorp Genetics (formerly Invitae), Labcorp
Classification: Uncertain significance for Hereditary thrombocytopenia and hematological cancer predisposition syndrome associated with RUNX1. Last evaluated: 2021-08-12. Review status: criteria provided, single submitter. Criteria: Invitae Variant Classification Sherloc (09022015). Collection method: clinical testing. Allele origin: germline. Not counted in ClinVar's aggregate classification.
Comment: In summary, the available evidence is currently insufficient to determine the role of this variant in disease. Therefore, it has been classified as a Variant of Uncertain Significance. Algorithms developed to predict the effect of missense changes on protein structure and function (SIFT, PolyPhen-2, Align-GVGD) all suggest that this variant is likely to be tolerated. This variant has not been reported in the literature in individuals affected with RUNX1-related conditions. This variant is not present in population databases (ExAC no frequency). This sequence change replaces leucine with proline at codon 210 of the RUNX1 protein (p.Leu210Pro). The leucine residue is moderately conserved and there is a moderate physicochemical difference between leucine and proline.